The following is an entry in ClinVar:

ClinVar aggregate classification (germline): Uncertain significance (1 of 4 stars; one submission).

Submission:

CeGaT Center for Human Genetics Tuebingen
Classification: Uncertain significance. Last evaluated: 2025-03-01. Review status: criteria provided, single submitter. Criteria: CeGaT Center For Human Genetics Tuebingen Variant Classification Criteria Version 2. Collection method: clinical testing. Allele origin: germline. Affected: yes. Observed: 1 variant allele.
Comment: PHKA2: PM2, PP3

NM_000292.3(PHKA2):c.3304G>T (p.Gly1102Cys)

Gene: PHKA2 (phosphorylase kinase regulatory subunit alpha 2; minus strand). Cytogenetic location: Xp22.13.
Variant type: single nucleotide variant.
Coding change: c.3304G>T on transcript NM_000292.3 (MANE Select); coding-DNA position 3304, G replaced by T.
Protein change: p.Gly1102Cys; replaces glycine 1102 with cysteine.
Molecular consequence: missense variant.
Genome position (GRCh38, 1-based): chrX:18,895,170, C>A on the plus strand (G>T on the coding strand, the complement: PHKA2 is on the minus strand). VCF-style: chrX-18895170-C-A. GRCh37 (hg19) VCF-style: chrX-18913288-C-A.
Other names: short protein forms G1102C.
Identifiers: ClinVar variation 3778613 (VCV003778613.7).